The following is an entry in ClinVar:

NM_005448.2(BMP15):c.852C>T (p.Ser284=)

Gene: BMP15 (bone morphogenetic protein 15; plus strand). Cytogenetic location: Xp11.22.
Variant type: single nucleotide variant.
Coding change: c.852C>T on transcript NM_005448.2 (MANE Select); coding-DNA position 852, C replaced by T.
Protein change: p.Ser284=; no amino-acid change (serine 284 retained).
Molecular consequence: synonymous variant.
Genome position (GRCh38, 1-based): chrX:50,916,280, C>T. VCF-style: chrX-50916280-C-T. GRCh37 (hg19) VCF-style: chrX-50659280-C-T.
Identifiers: ClinVar variation 259777 (VCV000259777.7), dbSNP rs17003221, ClinGen allele CA10416612.

ClinVar aggregate classification (germline): Benign. Review status: criteria provided, multiple submitters, no conflicts (2 of 4 stars). 4 submissions from 4 submitters: Benign (4). Last evaluated 2018-01-13.

Conditions:
Ovarian dysgenesis 2 (ODG2). Also called: OVARIAN DYSGENESIS, HYPERGONADOTROPIC, X-LINKED; OVARIAN FAILURE, HYPERGONADOTROPIC, DUE TO OVARIAN DYSGENESIS. Identifiers: Orphanet 243, MedGen C1845294, MONDO:0010349, OMIM 300510.

Allele frequency attached by ClinVar (database versions not stated): gnomAD 0.14279 and 0.13703; ESP Exome Variant Server 0.16730; 1000 Genomes Project 30x 0.19105; gnomAD exomes 0.05807 and 0.02281; ExAC 0.06811; TOPMed 0.15485; 1000 Genomes Project 0.18384.
gnomAD v4.1: 40,965 of 1,204,453 alleles (3.4%); highest among the groups gnomAD compares: African/African-American, 45%; 4,695 homozygotes.

Submissions (4):

Illumina Laboratory Services, Illumina
Classification: Benign for Ovarian dysgenesis 2. Last evaluated: 2018-01-13. Review status: criteria provided, single submitter. Criteria: ICSL Variant Classification Criteria 13 December 2019. Collection method: clinical testing. Allele origin: germline.
Comment: This variant was observed in the ICSL laboratory as part of a predisposition screen in an ostensibly healthy population. It had not been previously curated by ICSL or reported in the Human Gene Mutation Database (HGMD: prior to June 1st, 2018), and was therefore a candidate for classification through an automated scoring system. Utilizing variant allele frequency, disease prevalence and penetrance estimates, and inheritance mode, an automated score was calculated to assess if this variant is too frequent to cause the disease. Based on the score and internal cut-off values, a variant classified as benign is not then subjected to further curation. The score for this variant resulted in a classification of benign for this disease.

GeneDx
Classification: Benign. Last evaluated: 2015-09-29. Review status: criteria provided, single submitter. Criteria: GeneDx Variant Classification (06012015). Collection method: clinical testing. Allele origin: germline. Affected: yes.
Comment: This variant is considered likely benign or benign based on one or more of the following criteria: it is a conservative change, it occurs at a poorly conserved position in the protein, it is predicted to be benign by multiple in silico algorithms, and/or has population frequency not consistent with disease.

Breakthrough Genomics
Classification: Benign. Review status: criteria provided, single submitter. Criteria: ACMG Guidelines, 2015. Collection method: not provided. Allele origin: germline. Inheritance: X-linked inheritance. Affected: yes.

PreventionGenetics, part of Exact Sciences
Classification: Benign. Review status: criteria provided, single submitter. Criteria: ACMG Guidelines, 2015. Collection method: clinical testing. Allele origin: germline.